The following is an entry in ClinVar:

NM_001080517.3(SETD5):c.1595G>A (p.Arg532Gln)

Gene: SETD5 (SET domain containing 5; plus strand). Cytogenetic location: 3p25.3.
Variant type: single nucleotide variant.
Coding change: c.1595G>A on transcript NM_001080517.3 (MANE Select); coding-DNA position 1595, G replaced by A.
Protein change: p.Arg532Gln; replaces arginine 532 with glutamine.
Molecular consequence: missense variant.
Genome position (GRCh38, 1-based): chr3:9,447,120, G>A. VCF-style: chr3-9447120-G-A. GRCh37 (hg19) VCF-style: chr3-9488804-G-A.
Other names: c.1301G>A, p.Arg434Gln (NM_001292043.2, NM_001349451.2); short protein forms R434Q, R532Q.
Identifiers: ClinVar variation 3618014 (VCV003618014.10).

ClinVar aggregate classification (germline): Likely benign. Review status: criteria provided, multiple submitters, no conflicts (2 of 4 stars). 2 submissions from 2 submitters: Likely benign (2). Last evaluated 2025-07-01.

Submissions (2):

CeGaT Center for Human Genetics Tuebingen
Classification: Likely benign. Last evaluated: 2025-07-01. Review status: criteria provided, single submitter. Criteria: CeGaT Center For Human Genetics Tuebingen Variant Classification Criteria Version 2. Collection method: clinical testing. Allele origin: germline. Affected: yes. Observed: 1 variant allele.
Comment: SETD5: BS2

Labcorp Genetics (formerly Invitae), Labcorp
Classification: Likely benign. Last evaluated: 2024-12-15. Review status: criteria provided, single submitter. Criteria: Invitae Variant Classification Sherloc (09022015). Collection method: clinical testing. Allele origin: germline.